The following is an entry in ClinVar:

NM_001371279.1(REEP1):c.836C>T (p.Ser279Leu)

Gene: REEP1 (receptor accessory protein 1; minus strand). Cytogenetic location: 2p11.2.
Variant type: single nucleotide variant.
Coding change: c.836C>T on transcript NM_001371279.1 (MANE Select); coding-DNA position 836, C replaced by T.
Protein change: p.Ser279Leu; replaces serine 279 with leucine.
Molecular consequence: missense variant. On other transcripts: 3 prime UTR variant (3).
Genome position (GRCh38, 1-based): chr2:86,217,058, G>A on the plus strand (C>T on the coding strand, the complement: REEP1 is on the minus strand). VCF-style: chr2-86217058-G-A. GRCh37 (hg19) VCF-style: chr2-86444181-G-A.
Other names: c.*42C>T (NM_001164730.2, NM_001164731.2, NM_022912.3); c.413C>T, p.Ser138Leu (NM_001164732.2); c.470C>T, p.Ser157Leu (NM_001371280.1); c.413C>T (NM_001164732.1); short protein forms S279L, S138L, S157L.
Identifiers: ClinVar variation 895530 (VCV000895530.5), dbSNP rs148490065, ClinGen allele CA1748655.

ClinVar aggregate classification (germline): Uncertain significance. Review status: criteria provided, multiple submitters, no conflicts (2 of 4 stars). 2 submissions from 2 submitters: Uncertain significance (2). Last evaluated 2026-02-04.

Conditions:
Hereditary spastic paraplegia 31. Also called: SPASTIC PARAPLEGIA 31, AUTOSOMAL DOMINANT. Identifiers: Orphanet 101011, MedGen C1853247, MONDO:0012453, OMIM 610250.
REEP1-related disorder. Also called: REEP1-related condition.

Allele frequency attached by ClinVar (database versions not stated): gnomAD 0.00001 and 0.00002; gnomAD exomes 0.00002; ExAC 0.00003; 1000 Genomes Project 30x 0.00016; 1000 Genomes Project 0.00020.
gnomAD v4.1: 25 of 1,614,082 alleles (0.0015%); highest among the groups gnomAD compares: Middle Eastern, 0.066%; no homozygotes.

Submissions (2):

PreventionGenetics, part of Exact Sciences
Classification: Uncertain significance for REEP1-related condition. Last evaluated: 2026-02-04. Review status: criteria provided, single submitter. Criteria: ACMG Guidelines, 2015. Collection method: clinical testing. Allele origin: germline.
Comment: The REEP1 c.413C>T variant is predicted to result in the amino acid substitution p.Ser138Leu. Of note, this variant can also be referred to as c.*42C>T with an alternative isoform NM_022912 and is located in the 3'UTR. To our knowledge, this variant has not been reported in the literature. This variant is reported in 0.010% of alleles in individuals of East Asian descent in gnomAD. At this time, the clinical significance of this variant is uncertain due to the absence of conclusive functional and genetic evidence.

Illumina Laboratory Services, Illumina
Classification: Uncertain significance for Hereditary spastic paraplegia 31. Last evaluated: 2018-01-13. Review status: criteria provided, single submitter. Criteria: ICSL Variant Classification Criteria 13 December 2019. Collection method: clinical testing. Allele origin: germline.